The following is an entry in ClinVar:

ClinVar aggregate classification (germline): Conflicting classifications of pathogenicity. Review status: criteria provided, conflicting classifications (1 of 4 stars). 5 submissions from 5 submitters: Pathogenic (3); Likely pathogenic (1); Uncertain significance (1). Last evaluated 2025-08-21.

Conditions:
ADAMTSL4-related disorder. Also called: ADAMTSL4-Related Disorders; ADAMTSL4-related condition.
Ectopia lentis 2, isolated, autosomal recessive (ECTOL2). Identifiers: Orphanet 1885, MedGen C3541474, MONDO:0009152, OMIM 225100.
Craniosynostosis syndrome. Also called: Craniosynostosis. Identifiers: Orphanet 1531, MedGen C0010278, MeSH D003398, MONDO:0015469, HP:0001363.

Allele frequency attached by ClinVar (database versions not stated): TOPMed 0.00001; gnomAD 0.00002.
gnomAD v4.1: 24 of 1,613,854 alleles (0.0015%); highest among the groups gnomAD compares: South Asian, 0.0022%; no homozygotes.

Submissions (5):

3billion
Classification: Pathogenic for ADAMTSL4-related disorder. Last evaluated: 2025-08-21. Review status: criteria provided, single submitter. Criteria: ACMG Guidelines, 2015. Collection method: clinical testing. Allele origin: germline. Affected: yes.
Comment: The variant is observed at an extremely low frequency in the gnomAD v4.1.0 dataset (total allele frequency: 0.001%). Predicted Consequence/Location: Stop-gained (nonsense): predicted to result in a loss or disruption of normal protein function through nonsense-mediated decay (NMD) or protein truncation. Multiple pathogenic variants are reported downstream of the variant. In silico tools predict the variant to alter splicing and produce an abnormal transcript [SpliceAI: 0.38 (spliceogenicity >=0.2, non-spliceogenicity <0.1)]. The variant has been reported at least twice as pathogenic without evidence for the classification (ClinVar ID: VCV000691918). Therefore, this variant is classified as Pathogenic according to the recommendation of ACMG/AMP guideline.

Labcorp Genetics (formerly Invitae), Labcorp
Classification: Pathogenic. Last evaluated: 2024-03-13. Review status: criteria provided, single submitter. Criteria: Invitae Variant Classification Sherloc (09022015). Collection method: clinical testing. Allele origin: germline.
Comment: This sequence change creates a premature translational stop signal (p.Arg556*) in the ADAMTSL4 gene. It is expected to result in an absent or disrupted protein product. Loss-of-function variants in ADAMTSL4 are known to be pathogenic (PMID: 20564469, 28642162). This variant is present in population databases (rs748487774, gnomAD 0.003%). This variant has not been reported in the literature in individuals affected with ADAMTSL4-related conditions. ClinVar contains an entry for this variant (Variation ID: 691918). Algorithms developed to predict the effect of sequence changes on RNA splicing suggest that this variant may disrupt the consensus splice site. For these reasons, this variant has been classified as Pathogenic.

Mendelics
Classification: Pathogenic for Ectopia lentis 2, isolated, autosomal recessive. Last evaluated: 2022-05-04. Review status: criteria provided, single submitter. Criteria: Mendelics Assertion Criteria 2019. Collection method: clinical testing. Allele origin: germline.

Blueprint Genetics
Classification: Likely pathogenic for ADAMTSL4-related disorders. Last evaluated: 2022-02-09. Review status: criteria provided, single submitter. Criteria: ACMG Guidelines, 2015. Collection method: clinical testing. Allele origin: germline. Affected: yes. Observed: 3 variant alleles.

Klinisk genetik och genomik Research, Gothenburg University
Classification: Uncertain significance for Craniosynostosis. Last evaluated: 2019-09-25. Review status: criteria provided, single submitter. Criteria: ACMG Guidelines, 2015. Collection method: research. Allele origin: germline. Affected: yes.

Literature cited by the submitters: PubMed 20564469 (cited by Labcorp Genetics (formerly Invitae), Labcorp); PubMed 28642162 (cited by Labcorp Genetics (formerly Invitae), Labcorp); PubMed 31837199 (cited by Klinisk genetik och genomik Research, Gothenburg University).

NM_019032.6(ADAMTSL4):c.1666C>T (p.Arg556Ter)

Genes: ADAMTSL4 (ADAMTS like 4; plus strand), ADAMTSL4-AS2 (ADAMTSL4 antisense RNA 2; minus strand). Cytogenetic location: 1q21.2.
Variant type: single nucleotide variant.
Coding change: c.1666C>T on transcript NM_019032.6 (MANE Select); coding-DNA position 1666, C replaced by T.
Protein change: p.Arg556Ter; replaces arginine 556 with a stop codon.
Molecular consequence: nonsense.
Genome position (GRCh38, 1-based): chr1:150,556,710, C>T. VCF-style: chr1-150556710-C-T. GRCh37 (hg19) VCF-style: chr1-150529186-C-T.
Other names: c.1735C>T, p.Arg579Ter (NM_001288607.2, NM_001288608.2); c.1666C>T, p.Arg556Ter (NM_001378596.1, NM_025008.5); short protein forms R556*, R579*.
Identifiers: ClinVar variation 691918 (VCV000691918.7), dbSNP rs748487774, ClinGen allele CA1078356.